The following is an entry in ClinVar:

NM_001312909.2(FAM111A):c.1013C>G (p.Thr338Arg)

Genes: FAM111A (FAM111 trypsin like peptidase A; plus strand), LOC130005740 (ATAC-STARR-seq lymphoblastoid active region 4748; plus strand). Cytogenetic location: 11q12.1.
Variant type: single nucleotide variant.
Coding change: c.1013C>G on transcript NM_001312909.2 (MANE Select); coding-DNA position 1013, C replaced by G.
Protein change: p.Thr338Arg; replaces threonine 338 with arginine.
Molecular consequence: missense variant.
Genome position (GRCh38, 1-based): chr11:59,152,681, C>G. VCF-style: chr11-59152681-C-G. GRCh37 (hg19) VCF-style: chr11-58920154-C-G.
Other names: c.1013C>G, p.Thr338Arg (NM_001142519.3, NM_001142520.3, NM_001142521.3 and 29 more transcripts); short protein forms T338R.
Identifiers: ClinVar variation 3346481 (VCV003346481.1).

ClinVar aggregate classification (germline): Uncertain significance (0 of 4 stars; one submission).

Conditions:
FAM111A-related disorder. Also called: FAM111A-related condition.

Submission:

PreventionGenetics, part of Exact Sciences
Classification: Uncertain significance for FAM111A-related condition. Last evaluated: 2024-07-17. Review status: no assertion criteria provided. Collection method: clinical testing. Allele origin: germline.
Comment: The FAM111A c.1013C>G variant is predicted to result in the amino acid substitution p.Thr338Arg. To our knowledge, this variant has not been reported in the literature or in a large population database, indicating this variant is rare. A variant impacting the same amino acid (c.1012A>G; p.Thr338Ala) has been reported in a patient with.FAM111A-related disease (Unger et al 2013. PubMed ID: 23684011). At this time, the clinical significance of this variant is uncertain due to the absence of conclusive functional and genetic evidence.